The following is an entry in ClinVar:

NM_000313.4(PROS1):c.1078G>A (p.Glu360Lys)

Gene: PROS1 (protein S; minus strand). Cytogenetic location: 3q11.1.
Variant type: single nucleotide variant.
Coding change: c.1078G>A on transcript NM_000313.4 (MANE Select); coding-DNA position 1078, G replaced by A.
Protein change: p.Glu360Lys; replaces glutamic acid 360 with lysine.
Molecular consequence: missense variant.
Genome position (GRCh38, 1-based): chr3:93,893,010, C>T on the plus strand (G>A on the coding strand, the complement: PROS1 is on the minus strand). VCF-style: chr3-93893010-C-T. GRCh37 (hg19) VCF-style: chr3-93611854-C-T.
Other names: c.1174G>A, p.Glu392Lys (NM_001314077.2); short protein forms E392K, E360K.
Identifiers: ClinVar variation 4747320 (VCV004747320.1).

ClinVar aggregate classification (germline): Uncertain significance (1 of 4 stars; one submission).

Conditions:
Thrombophilia due to protein S deficiency, autosomal recessive (THPH6). Identifiers: Orphanet 743, MedGen C3281092, MONDO:0013791, OMIM 614514. Disease mechanism: loss of function.

Submission:

Labcorp Genetics (formerly Invitae), Labcorp
Classification: Uncertain significance for Thrombophilia due to protein S deficiency, autosomal recessive. Last evaluated: 2025-08-03. Review status: criteria provided, single submitter. Criteria: Invitae Variant Classification Sherloc (09022015). Collection method: clinical testing. Allele origin: germline.
Comment: This sequence change replaces glutamic acid, which is acidic and polar, with lysine, which is basic and polar, at codon 360 of the PROS1 protein (p.Glu360Lys). This variant is present in population databases (no rsID available, gnomAD 0.0009%). This missense change has been observed in individual(s) with clinical features of protein S deficiency (PMID: 26466767). Invitae Evidence Modeling of protein sequence and biophysical properties (such as structural, functional, and spatial information, amino acid conservation, physicochemical variation, residue mobility, and thermodynamic stability) indicates that this missense variant is expected to disrupt PROS1 protein function with a positive predictive value of 80%. In summary, the available evidence is currently insufficient to determine the role of this variant in disease. Therefore, it has been classified as a Variant of Uncertain Significance.

Literature cited by the submitters: PubMed 26466767.